The following is an entry in ClinVar:

NM_001291415.2(KDM6A):c.679G>A (p.Ala227Thr)

Gene: KDM6A (lysine demethylase 6A; plus strand). Cytogenetic location: Xp11.3.
Variant type: single nucleotide variant.
Coding change: c.679G>A on transcript NM_001291415.2 (MANE Select); coding-DNA position 679, G replaced by A.
Protein change: p.Ala227Thr; replaces alanine 227 with threonine.
Molecular consequence: missense variant. On other transcripts: 5 prime UTR variant (1), non-coding transcript variant (1).
Genome position (GRCh38, 1-based): chrX:45,051,733, G>A. VCF-style: chrX-45051733-G-A. GRCh37 (hg19) VCF-style: chrX-44910978-G-A.
Other names: c.679G>A, p.Ala227Thr (NM_001291416.2, NM_001291417.2, NM_001291418.2 and 1 more transcripts); c.-75G>A (NM_001291421.2); short protein forms A227T.
Identifiers: ClinVar variation 1684834 (VCV001684834.2), dbSNP rs2147916939, ClinGen allele CA412778217.

ClinVar aggregate classification (germline): Uncertain significance. Review status: criteria provided, multiple submitters, no conflicts (2 of 4 stars). 2 submissions from 2 submitters: Uncertain significance (2). Last evaluated 2025-03-27.

Conditions:
Kabuki syndrome 2 (KABUK2). Also called: KDM6A-Related Kabuki Syndrome. Identifiers: Orphanet 2322, MedGen C3275495, MONDO:0010465, OMIM 300867.

Submissions (2):

Labcorp Genetics (formerly Invitae), Labcorp
Classification: Uncertain significance for Kabuki syndrome 2. Last evaluated: 2025-03-27. Review status: criteria provided, single submitter. Criteria: Invitae Variant Classification Sherloc (09022015). Collection method: clinical testing. Allele origin: germline.
Comment: This sequence change replaces alanine, which is neutral and non-polar, with threonine, which is neutral and polar, at codon 227 of the KDM6A protein (p.Ala227Thr). This variant is not present in population databases (gnomAD no frequency). This variant has not been reported in the literature in individuals affected with KDM6A-related conditions. ClinVar contains an entry for this variant (Variation ID: 1684834). Invitae Evidence Modeling of protein sequence and biophysical properties (such as structural, functional, and spatial information, amino acid conservation, physicochemical variation, residue mobility, and thermodynamic stability) has been performed for this missense variant. However, the output from this modeling did not meet the statistical confidence thresholds required to predict the impact of this variant on KDM6A protein function. In summary, the available evidence is currently insufficient to determine the role of this variant in disease. Therefore, it has been classified as a Variant of Uncertain Significance.

Mendelics
Classification: Uncertain significance. Last evaluated: 2022-05-04. Review status: criteria provided, single submitter. Criteria: Mendelics Assertion Criteria 2019. Collection method: clinical testing. Allele origin: germline.